The following is an entry in ClinVar:

ClinVar aggregate classification (germline): Pathogenic (0 of 4 stars; one submission).

Conditions:
Fanconi anemia complementation group A (FANCA). Also called: Fanconi anemia, group A; FANCA-Related Fanconi Anemia. Identifiers: Orphanet 84, MedGen C3469521, MONDO:0009215, OMIM 227650.

Submission:

Leiden Open Variation Database
Classification: Pathogenic for Fanconi anemia complementation group A. Last evaluated: 2020-02-28. Review status: no assertion criteria provided. Collection method: curation. Allele origin: germline. Affected: yes.
Comment: Curator: Arleen D. Auerbach. Submitter to LOVD: Arleen D. Auerbach.

Literature cited by the submitters: PubMed 25168418.

NC_000016.10:g.88342444_88343618del

Gene: ZNF469 (zinc finger protein 469; plus strand). Cytogenetic location: 16q24.2.
Variant type: Deletion.
Genome position: GRCh38: chr16:88,342,444-88,343,618. GRCh37 (hg19): chr16:88,376,050-88,377,224.
Identifiers: ClinVar variation 974220 (VCV000974220.2), ClinGen allele CA1139664858.